The following is an entry in ClinVar:

NM_152490.5(B3GALNT2):c.842-3T>G

Gene: B3GALNT2 (beta-1,3-N-acetylgalactosaminyltransferase 2; minus strand). Cytogenetic location: 1q42.3.
Variant type: single nucleotide variant.
Coding change: c.842-3T>G on transcript NM_152490.5 (MANE Select); 3 bases into the intron before coding-DNA position 842, T replaced by G.
Molecular consequence: intron variant.
Genome position (GRCh38, 1-based): chr1:235,458,789, A>C on the plus strand (T>G on the coding strand, the complement: B3GALNT2 is on the minus strand). VCF-style: chr1-235458789-A-C. GRCh37 (hg19) VCF-style: chr1-235622097-A-C.
Identifiers: ClinVar variation 577040 (VCV000577040.6), dbSNP rs1247622470, ClinGen allele CA891843437.

ClinVar aggregate classification (germline): Uncertain significance (1 of 4 stars; one submission).

Conditions:
Muscular dystrophy-dystroglycanopathy (congenital with brain and eye anomalies), type a, 11 (MDDGA11). Also called: Muscular dystrophy-dystroglycanopathy (congenital with brain and eye anomalies, type A, 11; Congenital muscular dystrophy-dystroglycanopathy with brain and eye anomalies, type A11; WALKER-WARBURG SYNDROME OR MUSCLE-EYE-BRAIN DISEASE, B3GALNT2-RELATED. Identifiers: Orphanet 588, Orphanet 899, MedGen C3554638, MONDO:0014071, OMIM 615181.

Allele frequency attached by ClinVar (database versions not stated): gnomAD exomes below 0.00001; TOPMed below 0.00001.
gnomAD v4.1: 1 of 1,573,168 alleles (0.000064%); highest among the groups gnomAD compares: Non-Finnish European, 0.000086%; no homozygotes.

Submission:

Labcorp Genetics (formerly Invitae), Labcorp
Classification: Uncertain significance for Muscular dystrophy-dystroglycanopathy (congenital with brain and eye anomalies), type a, 11. Last evaluated: 2024-03-14. Review status: criteria provided, single submitter. Criteria: Invitae Variant Classification Sherloc (09022015). Collection method: clinical testing. Allele origin: germline.
Comment: This sequence change falls in intron 7 of the B3GALNT2 gene. It does not directly change the encoded amino acid sequence of the B3GALNT2 protein. It affects a nucleotide within the consensus splice site. This variant is not present in population databases (gnomAD no frequency). This variant has not been reported in the literature in individuals affected with B3GALNT2-related conditions. ClinVar contains an entry for this variant (Variation ID: 577040). Variants that disrupt the consensus splice site are a relatively common cause of aberrant splicing (PMID: 17576681, 9536098). Algorithms developed to predict the effect of sequence changes on RNA splicing suggest that this variant may disrupt the consensus splice site. In summary, the available evidence is currently insufficient to determine the role of this variant in disease. Therefore, it has been classified as a Variant of Uncertain Significance.

Literature cited by the submitters: PubMed 17576681; PubMed 9536098.